The following is an entry in ClinVar:

ClinVar aggregate classification (germline): Uncertain significance (1 of 4 stars; one submission).

Conditions:
RASopathy. Also called: rasopathies; Noonan spectrum disorder. Identifiers: Orphanet 536391, MedGen C5555857, MONDO:0021060.

Submission:

Labcorp Genetics (formerly Invitae), Labcorp
Classification: Uncertain significance for RASopathy. Last evaluated: 2025-08-09. Review status: criteria provided, single submitter. Criteria: Invitae Variant Classification Sherloc (09022015). Collection method: clinical testing. Allele origin: germline.
Comment: This sequence change replaces leucine, which is neutral and non-polar, with valine, which is neutral and non-polar, at codon 489 of the RAF1 protein (p.Leu489Val). This variant is not present in population databases (gnomAD no frequency). This variant has not been reported in the literature in individuals affected with RAF1-related conditions. Invitae Evidence Modeling incorporating data from in vitro experimental studies (internal data) indicates that this missense variant is expected to disrupt RAF1 function with a positive predictive value of 95%. In summary, the available evidence is currently insufficient to determine the role of this variant in disease. Therefore, it has been classified as a Variant of Uncertain Significance.

NM_002880.4(RAF1):c.1465T>G (p.Leu489Val)

Gene: RAF1 (Raf-1 proto-oncogene, serine/threonine kinase; minus strand). Cytogenetic location: 3p25.2.
Variant type: single nucleotide variant.
Coding change: c.1465T>G on transcript NM_002880.4 (MANE Select); coding-DNA position 1465, T replaced by G.
Protein change: p.Leu489Val; replaces leucine 489 with valine.
Molecular consequence: missense variant. On other transcripts: non-coding transcript variant (3).
Genome position (GRCh38, 1-based): chr3:12,585,752, A>C on the plus strand (T>G on the coding strand, the complement: RAF1 is on the minus strand). VCF-style: chr3-12585752-A-C. GRCh37 (hg19) VCF-style: chr3-12627251-A-C.
Other names: c.1525T>G, p.Leu509Val (NM_001354689.3); c.1465T>G, p.Leu489Val (NM_001354690.3); c.1222T>G, p.Leu408Val (NM_001354691.3, NM_001354692.3); c.1366T>G, p.Leu456Val (NM_001354693.3); c.1282T>G, p.Leu428Val (NM_001354694.3); c.1123T>G, p.Leu375Val (NM_001354695.3); short protein forms L375V, L408V, L428V, L456V, L489V, L509V.
Identifiers: ClinVar variation 4801589 (VCV004801589.1).
Genomic context (GRCh38, chr3:12,585,752, plus strand): 5'-CAGAGCCAGTAGGTTGTTCAACCTGCTGAGAACCACTCCAGCGTGACTTTACTGTTGCCA[A>C]ACCAAAATCTCCAATTTTCACTGTTAAGCCTTCATGGAGAAATATATCTCAATGCTTGTT-3'
Protein context (NP_002871.1, residues 479-499): GLTVKIGDFG[Leu489Val]ATVKSRWSGS